The following is an entry in ClinVar:

ClinVar aggregate classification (germline): Uncertain significance (1 of 4 stars; one submission).

Conditions:
Inborn genetic diseases. Identifiers: MedGen C0950123, MeSH D030342.

gnomAD v4.1: 2 of 1,611,780 alleles (0.00012%); highest among the groups gnomAD compares: Non-Finnish European, 0.00017%; no homozygotes.

Submission:

Ambry Genetics
Classification: Uncertain significance for Inborn genetic diseases. Last evaluated: 2025-09-28. Review status: criteria provided, single submitter. Criteria: Ambry Variant Classification Scheme 2023. Collection method: clinical testing. Allele origin: germline.
Comment: The p.L1332V variant (also known as c.3994C>G), located in coding exon 1 of the SAMD9L gene, results from a C to G substitution at nucleotide position 3994. The leucine at codon 1332 is replaced by valine, an amino acid with highly similar properties. This amino acid position is conserved. In addition, this alteration is predicted to be tolerated by in silico analysis. Based on the available evidence, the clinical significance of this variant remains unclear.

NM_152703.5(SAMD9L):c.3994C>G (p.Leu1332Val)

Gene: SAMD9L (sterile alpha motif domain containing 9 like; minus strand). Cytogenetic location: 7q21.2.
Variant type: single nucleotide variant.
Coding change: c.3994C>G on transcript NM_152703.5 (MANE Select); coding-DNA position 3994, C replaced by G.
Protein change: p.Leu1332Val; replaces leucine 1332 with valine.
Molecular consequence: missense variant.
Genome position (GRCh38, 1-based): chr7:93,131,978, G>C on the plus strand (C>G on the coding strand, the complement: SAMD9L is on the minus strand). VCF-style: chr7-93131978-G-C. GRCh37 (hg19) VCF-style: chr7-92761291-G-C.
Other names: c.3994C>G, p.Leu1332Val (NM_001303500.3, NM_001350082.2, NM_001350083.2 and 5 more transcripts); short protein forms L1332V.
Identifiers: ClinVar variation 4630028 (VCV004630028.1).